The following is an entry in ClinVar:

NM_001148.6(ANK2):c.6542A>G (p.Asp2181Gly)

Gene: ANK2 (ankyrin 2; plus strand). Cytogenetic location: 4q26.
Variant type: single nucleotide variant.
Coding change: c.6542A>G on transcript NM_001148.6 (MANE Select); coding-DNA position 6542, A replaced by G.
Protein change: p.Asp2181Gly; replaces aspartic acid 2181 with glycine.
Molecular consequence: missense variant. On other transcripts: intron variant (68).
Genome position (GRCh38, 1-based): chr4:113,355,160, A>G. VCF-style: chr4-113355160-A-G. GRCh37 (hg19) VCF-style: chr4-114276316-A-G.
Other names: c.4504+4911A>G (NM_001354237.2); c.4405+4911A>G (NM_001354230.2); c.4468+4911A>G (NM_001354231.2, NM_001354242.2); c.4471+4911A>G (NM_001386144.1, NM_001354240.2, NM_001354241.2); c.1990+4911A>G (NM_001354279.2, NM_001354282.2); c.1975+4911A>G (NM_001354280.2); c.1954+4911A>G (NM_001354278.2, NM_001354281.2); c.826+4911A>G (NM_001386167.1); and 35 more; short protein forms D2228G, D2181G, D2220G, D2103G, D981G.
Identifiers: ClinVar variation 2585815 (VCV002585815.2), dbSNP rs770347161, ClinGen allele CA3051430.

ClinVar aggregate classification (germline): Uncertain significance (1 of 4 stars; one submission).

Conditions:
Cardiovascular phenotype. Identifiers: MedGen CN230736.

Allele frequency attached by ClinVar (database versions not stated): gnomAD exomes below 0.00001; ExAC 0.00001.
gnomAD v4.1: 6 of 1,614,134 alleles (0.00037%); highest among the groups gnomAD compares: South Asian, 0.0066%; no homozygotes.

Submission:

Ambry Genetics
Classification: Uncertain significance for Cardiovascular phenotype. Last evaluated: 2023-08-30. Review status: criteria provided, single submitter. Criteria: Ambry Variant Classification Scheme 2023. Collection method: clinical testing. Allele origin: germline.
Comment: The p.D2181G variant (also known as c.6542A>G), located in coding exon 38 of the ANK2 gene, results from an A to G substitution at nucleotide position 6542. The aspartic acid at codon 2181 is replaced by glycine, an amino acid with similar properties. This amino acid position is conserved. In addition, the in silico prediction for this alteration is inconclusive. Since supporting evidence is limited at this time, the clinical significance of this alteration remains unclear.